The following is an entry in ClinVar:

ClinVar aggregate classification (germline): Uncertain significance (1 of 4 stars; one submission).

Allele frequency attached by ClinVar (database versions not stated): gnomAD 0.00001; TOPMed 0.00001; ExAC 0.00002; gnomAD exomes 0.00002.
gnomAD v4.1: 32 of 1,571,028 alleles (0.002%); highest among the groups gnomAD compares: Non-Finnish European, 0.0024%; no homozygotes.

Submission:

Labcorp Genetics (formerly Invitae), Labcorp
Classification: Uncertain significance. Last evaluated: 2025-07-28. Review status: criteria provided, single submitter. Criteria: Invitae Variant Classification Sherloc (09022015). Collection method: clinical testing. Allele origin: germline.
Comment: This sequence change replaces arginine, which is basic and polar, with cysteine, which is neutral and slightly polar, at codon 59 of the GEN1 protein (p.Arg59Cys). This variant is present in population databases (rs754845861, gnomAD 0.007%). This variant has not been reported in the literature in individuals affected with GEN1-related conditions. ClinVar contains an entry for this variant (Variation ID: 1418263). An algorithm developed to predict the effect of missense changes on protein structure and function (PolyPhen-2) suggests that this variant is likely to be disruptive. In summary, the available evidence is currently insufficient to determine the role of this variant in disease. Therefore, it has been classified as a Variant of Uncertain Significance.

NM_001130009.3(GEN1):c.175C>T (p.Arg59Cys)

Gene: GEN1 (GEN1 structure-specific endonuclease; plus strand). Cytogenetic location: 2p24.2.
Variant type: single nucleotide variant.
Coding change: c.175C>T on transcript NM_001130009.3 (MANE Select); coding-DNA position 175, C replaced by T.
Protein change: p.Arg59Cys; replaces arginine 59 with cysteine.
Molecular consequence: missense variant.
Genome position (GRCh38, 1-based): chr2:17,761,409, C>T. VCF-style: chr2-17761409-C-T. GRCh37 (hg19) VCF-style: chr2-17942676-C-T.
Other names: c.175C>T, p.Arg59Cys (NM_182625.5); short protein forms R59C.
Identifiers: ClinVar variation 1418263 (VCV001418263.8), dbSNP rs754845861, ClinGen allele CA1540347.